The following is an entry in ClinVar:

ClinVar aggregate classification (germline): Pathogenic (1 of 4 stars; one submission).

Conditions:
Mucolipidosis type II. Also called: ML II ALPHA/BETA; Mucolipidosis 2; ML 2; Inclusion cell disease; Leroy Disease; N-acetylglucosamine 1phosphotransferase deficiency. Identifiers: Orphanet 576, MedGen C2673377, MONDO:0009650, OMIM 252500.
Pseudo-Hurler polydystrophy. Also called: ML III; ML III ALPHA/BETA; MUCOLIPIDOSIS IIIA; Type III Mucolipidosis; ML IIIA; Mucolipidosis III Alpha/Beta. Identifiers: Orphanet 423461, Orphanet 577, MedGen C0033788, MONDO:0018931, OMIM 252600.

Submission:

Labcorp Genetics (formerly Invitae), Labcorp
Classification: Pathogenic for Pseudo-Hurler polydystrophy; Mucolipidosis type II. Last evaluated: 2026-01-26. Review status: criteria provided, single submitter. Criteria: Invitae Variant Classification Sherloc (09022015). Collection method: clinical testing. Allele origin: germline.
Comment: This sequence change creates a premature translational stop signal (p.Pro550Thrfs*12) in the GNPTAB gene. It is expected to result in an absent or disrupted protein product. Loss-of-function variants in GNPTAB are known to be pathogenic (PMID: 19617216, 25107912). This variant is not present in population databases (gnomAD no frequency). This variant has not been reported in the literature in individuals affected with GNPTAB-related conditions. For these reasons, this variant has been classified as Pathogenic.

Literature cited by the submitters: PubMed 19617216; PubMed 25107912.

NM_024312.5(GNPTAB):c.1647_1648insA (p.Pro550fs)

Gene: GNPTAB (N-acetylglucosamine-1-phosphate transferase subunits alpha and beta; minus strand). Cytogenetic location: 12q23.2.
Variant type: Insertion.
Coding change: c.1647_1648insA on transcript NM_024312.5 (MANE Select); coding-DNA positions 1647 to 1648, A inserted.
Protein change: p.Pro550fs; shifts the reading frame from proline 550.
Molecular consequence: frameshift variant.
Genome position: GRCh38 VCF-style: chr12-101765269-G-GT. GRCh37 (hg19) VCF-style: chr12-102159047-G-GT.
Other names: short protein forms P550fs.
Identifiers: ClinVar variation 4787368 (VCV004787368.1).